The following is an entry in ClinVar:

ClinVar aggregate classification (germline): Likely benign. Review status: criteria provided, single submitter (1 of 4 stars). 2 submissions from 2 submitters: Likely benign (1). 1 of the submissions does not count toward it. Last evaluated 2024-02-23.

Conditions:
GAA-related disorder. Also called: GAA-related condition.
Glycogen storage disease, type II (IOPD). Also called: Glucosidase acid-1,4-alpha deficiency; Pompe Disease; CARDIOMEGALIA GLYCOGENICA DIFFUSA; Glycogen storage disease type 2; Acid maltase deficiency disease; Aglucosidase alfa. Identifiers: Orphanet 365, MedGen C0017921, MONDO:0009290, OMIM 232300.

Allele frequency attached by ClinVar (database versions not stated): TOPMed below 0.00001.

Submissions (2):

Labcorp Genetics (formerly Invitae), Labcorp
Classification: Likely benign for Glycogen storage disease, type II. Last evaluated: 2024-02-23. Review status: criteria provided, single submitter. Criteria: Invitae Variant Classification Sherloc (09022015). Collection method: clinical testing. Allele origin: germline.

PreventionGenetics, part of Exact Sciences
Classification: Likely benign for GAA-related condition. Last evaluated: 2022-07-20. Review status: no assertion criteria provided. Collection method: clinical testing. Allele origin: germline. Not counted in ClinVar's aggregate classification.
Comment: This variant is classified as likely benign based on ACMG/AMP sequence variant interpretation guidelines (Richards et al. 2015 PMID: 25741868, with internal and published modifications).

NM_000152.5(GAA):c.1888+20G>C

Gene: GAA (alpha glucosidase; plus strand). Cytogenetic location: 17q25.3.
Variant type: single nucleotide variant.
Coding change: c.1888+20G>C on transcript NM_000152.5 (MANE Select); 20 bases into the intron after coding-DNA position 1888, G replaced by C.
Molecular consequence: intron variant.
Genome position (GRCh38, 1-based): chr17:80,112,731, G>C. VCF-style: chr17-80112731-G-C. GRCh37 (hg19) VCF-style: chr17-78086530-G-C.
Other names: c.1888+20G>C (NM_000152.4, NM_001406741.1, NM_001406742.1 and 2 more transcripts).
Identifiers: ClinVar variation 2805530 (VCV002805530.5), dbSNP rs2039269182, ClinGen allele CA2277815193.